The following is an entry in ClinVar:

ClinVar aggregate classification (germline): Uncertain significance (1 of 4 stars; one submission).

Conditions:
Hypogonadotropic hypogonadism 2 with or without anosmia (HH2). Also called: HYPOGONADOTROPIC HYPOGONADISM 2 WITHOUT ANOSMIA, SUSCEPTIBILITY TO; HYPOGONADOTROPIC HYPOGONADISM 2 WITH OR WITHOUT ANOSMIA, SUSCEPTIBILITY TO; HYPOGONADOTROPIC HYPOGONADISM 2 WITHOUT ANOSMIA; FGFR1-Related GnRH Deficiency (Kallmann Syndrome 2). Identifiers: Orphanet 478, MedGen C1563720, MONDO:0007844, OMIM 147950. Disease mechanism: loss of function.

Submission:

3billion
Classification: Uncertain significance for Hypogonadotropic hypogonadism 2 with or without anosmia. Last evaluated: 2022-05-22. Review status: criteria provided, single submitter. Criteria: ACMG Guidelines, 2015. Collection method: clinical testing. Allele origin: germline. Affected: yes. Observed: 1 heterozygote.
Comment: The variant is not observed in the gnomAD v2.1.1 dataset. Missense changes are a common disease-causing mechanism. In silico tool predictions suggest damaging effect of the variant on gene or gene product (REVEL: 0.67; 3Cnet: 0.94). Therefore, this variant is classified as uncertain significanceaccording to the recommendation of ACMG/AMP guideline.

NM_023110.3(FGFR1):c.606A>T (p.Arg202Ser)

Gene: FGFR1 (fibroblast growth factor receptor 1; minus strand). Cytogenetic location: 8p11.23.
Variant type: single nucleotide variant.
Coding change: c.606A>T on transcript NM_023110.3 (MANE Select); coding-DNA position 606, A replaced by T.
Protein change: p.Arg202Ser; replaces arginine 202 with serine.
Molecular consequence: missense variant.
Genome position (GRCh38, 1-based): chr8:38,427,936, T>A on the plus strand (A>T on the coding strand, the complement: FGFR1 is on the minus strand). VCF-style: chr8-38427936-T-A. GRCh37 (hg19) VCF-style: chr8-38285454-T-A.
Other names: c.606A>T, p.Arg202Ser (NM_001174063.2); c.582A>T, p.Arg194Ser (NM_001174064.2); c.600A>T, p.Arg200Ser (NM_001174065.2, NM_001354367.2, NM_001354369.2 and 1 more transcripts); c.339A>T, p.Arg113Ser (NM_001174066.2, NM_023105.3); c.699A>T, p.Arg233Ser (NM_001174067.2); c.333A>T, p.Arg111Ser (NM_001354368.2, NM_001354370.2, NM_023106.3); short protein forms R111S, R113S, R194S, R200S, R202S, R233S.
Identifiers: ClinVar variation 1687521 (VCV001687521.1), dbSNP rs2150910084, ClinGen allele CA370735529.